The following is an entry in ClinVar:

ClinVar aggregate classification (germline): Uncertain significance (1 of 4 stars; one submission).

Submission:

Ambry Genetics
Classification: Uncertain significance. Last evaluated: 2025-06-21. Review status: criteria provided, single submitter. Criteria: Ambry Variant Classification Scheme 2023. Collection method: clinical testing. Allele origin: germline.
Comment: The p.S1082T variant (also known as c.3245G>C), located in coding exon 12 of the WNK2 gene, results from a G to C substitution at nucleotide position 3245. The serine at codon 1082 is replaced by threonine, an amino acid with similar properties. This amino acid position is conserved. In addition, this alteration is predicted to be tolerated by in silico analysis. Based on the available evidence, the clinical significance of this variant remains unclear.

NM_006648.4(WNK2):c.3245G>C (p.Ser1082Thr)

Gene: WNK2 (WNK lysine deficient protein kinase 2; plus strand). Cytogenetic location: 9q22.31.
Variant type: single nucleotide variant.
Coding change: c.3245G>C on transcript NM_006648.4 (MANE Select); coding-DNA position 3245, G replaced by C.
Protein change: p.Ser1082Thr; replaces serine 1082 with threonine.
Molecular consequence: missense variant.
Genome position (GRCh38, 1-based): chr9:93,261,992, G>C. VCF-style: chr9-93261992-G-C. GRCh37 (hg19) VCF-style: chr9-96024274-G-C.
Other names: c.3245G>C, p.Ser1082Thr (NM_001282394.3); short protein forms S1082T.
Identifiers: ClinVar variation 4201537 (VCV004201537.1).